The following is an entry in ClinVar:

ClinVar aggregate classification (germline): Uncertain significance (1 of 4 stars; one submission).

Allele frequency attached by ClinVar (database versions not stated): gnomAD exomes below 0.00001.
gnomAD v4.1: 8 of 1,614,046 alleles (0.0005%); highest among the groups gnomAD compares: Non-Finnish European, 0.00042%; no homozygotes.

Submission:

Labcorp Genetics (formerly Invitae), Labcorp
Classification: Uncertain significance. Last evaluated: 2025-04-22. Review status: criteria provided, single submitter. Criteria: Invitae Variant Classification Sherloc (09022015). Collection method: clinical testing. Allele origin: germline.
Comment: This sequence change replaces arginine, which is basic and polar, with histidine, which is basic and polar, at codon 351 of the CLUAP1 protein (p.Arg351His). This variant is not present in population databases (gnomAD no frequency). This variant has not been reported in the literature in individuals affected with CLUAP1-related conditions. ClinVar contains an entry for this variant (Variation ID: 961316). Invitae Evidence Modeling of protein sequence and biophysical properties (such as structural, functional, and spatial information, amino acid conservation, physicochemical variation, residue mobility, and thermodynamic stability) indicates that this missense variant is not expected to disrupt CLUAP1 protein function with a negative predictive value of 80%. In summary, the available evidence is currently insufficient to determine the role of this variant in disease. Therefore, it has been classified as a Variant of Uncertain Significance.

NM_015041.3(CLUAP1):c.1052G>A (p.Arg351His)

Gene: CLUAP1 (clusterin associated protein 1; plus strand). Cytogenetic location: 16p13.3.
Variant type: single nucleotide variant.
Coding change: c.1052G>A on transcript NM_015041.3 (MANE Select); coding-DNA position 1052, G replaced by A.
Protein change: p.Arg351His; replaces arginine 351 with histidine.
Molecular consequence: missense variant.
Genome position (GRCh38, 1-based): chr16:3,532,801, G>A. VCF-style: chr16-3532801-G-A. GRCh37 (hg19) VCF-style: chr16-3582801-G-A.
Other names: c.1052G>A, p.Arg351His (NM_001330454.2); c.554G>A, p.Arg185His (NM_024793.3); short protein forms R185H, R351H.
Identifiers: ClinVar variation 961316 (VCV000961316.10), dbSNP rs2038152734, ClinGen allele CA394515780.